The following is an entry in ClinVar:

ClinVar aggregate classification (germline): Uncertain significance (1 of 4 stars; one submission).

Conditions:
Severe combined immunodeficiency due to DNA-PKcs deficiency. Also called: Immunodeficiency 26 with or without neurologic abnormalities; IMMUNODEFICIENCY 26 WITH NEUROLOGIC ABNORMALITIES. Identifiers: Orphanet 317425, MedGen C4014833, MONDO:0014423, OMIM 615966.

Allele frequency attached by ClinVar (database versions not stated): gnomAD exomes below 0.00001; TOPMed below 0.00001; gnomAD 0.00001.
gnomAD v4.1: 5 of 1,613,952 alleles (0.00031%); highest among the groups gnomAD compares: Non-Finnish European, 0.00042%; no homozygotes.

Submission:

Labcorp Genetics (formerly Invitae), Labcorp
Classification: Uncertain significance for Severe combined immunodeficiency due to DNA-PKcs deficiency. Last evaluated: 2022-07-31. Review status: criteria provided, single submitter. Criteria: Invitae Variant Classification Sherloc (09022015). Collection method: clinical testing. Allele origin: germline.
Comment: In summary, the available evidence is currently insufficient to determine the role of this variant in disease. Therefore, it has been classified as a Variant of Uncertain Significance. Experimental studies and prediction algorithms are not available or were not evaluated, and the functional significance of this variant is currently unknown. This variant has not been reported in the literature in individuals affected with PRKDC-related conditions. This variant is not present in population databases (gnomAD no frequency). This sequence change replaces histidine, which is basic and polar, with tyrosine, which is neutral and polar, at codon 1625 of the PRKDC protein (p.His1625Tyr).

NM_006904.7(PRKDC):c.4873C>T (p.His1625Tyr)

Gene: PRKDC (protein kinase, DNA-activated, catalytic subunit; minus strand). Cytogenetic location: 8q11.21.
Variant type: single nucleotide variant.
Coding change: c.4873C>T on transcript NM_006904.7 (MANE Select); coding-DNA position 4873, C replaced by T.
Protein change: p.His1625Tyr; replaces histidine 1625 with tyrosine.
Molecular consequence: missense variant.
Genome position (GRCh38, 1-based): chr8:47,882,001, G>A on the plus strand (C>T on the coding strand, the complement: PRKDC is on the minus strand). VCF-style: chr8-47882001-G-A. GRCh37 (hg19) VCF-style: chr8-48794562-G-A.
Other names: c.4873C>T, p.His1625Tyr (NM_001081640.2); short protein forms H1625Y.
Identifiers: ClinVar variation 2176699 (VCV002176699.4), dbSNP rs1474950920, ClinGen allele CA371141929.